The following is an entry in ClinVar:

ClinVar aggregate classification (germline): Uncertain significance. Review status: criteria provided, multiple submitters, no conflicts (2 of 4 stars). 2 submissions from 2 submitters: Uncertain significance (2). Last evaluated 2025-12-21.

Conditions:
Ehlers-Danlos syndrome, classic type, 1 (EDSCL1). Also called: EHLERS-DANLOS SYNDROME, GRAVIS TYPE; EHLERS-DANLOS SYNDROME, SEVERE CLASSIC TYPE; Ehlers-Danlos syndrome, type 1; EDS I; Ehlers-Danlos Syndrome, Classic Type, COL5A1-Related. Identifiers: MedGen C0268335, MONDO:0019567, OMIM 130000.

Allele frequency attached by ClinVar (database versions not stated): gnomAD exomes below 0.00001.
gnomAD v4.1: 1 of 1,552,090 alleles (0.000064%); highest among the groups gnomAD compares: Non-Finnish European, 0.000087%; no homozygotes.

Submissions (2):

Labcorp Genetics (formerly Invitae), Labcorp
Classification: Uncertain significance for Ehlers-Danlos syndrome, classic type, 1. Last evaluated: 2025-12-21. Review status: criteria provided, single submitter. Criteria: Invitae Variant Classification Sherloc (09022015). Collection method: clinical testing. Allele origin: germline.
Comment: This sequence change replaces glutamic acid, which is acidic and polar, with glycine, which is neutral and non-polar, at codon 1313 of the COL5A1 protein (p.Glu1313Gly). This variant is not present in population databases (gnomAD no frequency). This variant has not been reported in the literature in individuals affected with COL5A1-related conditions. ClinVar contains an entry for this variant (Variation ID: 1320753). Invitae Evidence Modeling of protein sequence and biophysical properties (such as structural, functional, and spatial information, amino acid conservation, physicochemical variation, residue mobility, and thermodynamic stability) has been performed for this missense variant. However, the output from this modeling did not meet the statistical confidence thresholds required to predict the impact of this variant on COL5A1 protein function. In summary, the available evidence is currently insufficient to determine the role of this variant in disease. Therefore, it has been classified as a Variant of Uncertain Significance.

GeneDx
Classification: Uncertain significance. Last evaluated: 2019-10-03. Review status: criteria provided, single submitter. Criteria: GeneDx Variant Classification Process June 2021. Collection method: clinical testing. Allele origin: germline. Affected: yes.
Comment: Not observed in large population cohorts (Lek et al., 2016); In silico analysis, which includes protein predictors and evolutionary conservation, supports a deleterious effect; Has not been previously published as pathogenic or benign to our knowledge

NM_000093.5(COL5A1):c.3938A>G (p.Glu1313Gly)

Gene: COL5A1 (collagen type V alpha 1 chain; plus strand). Cytogenetic location: 9q34.3.
Variant type: single nucleotide variant.
Coding change: c.3938A>G on transcript NM_000093.5 (MANE Select); coding-DNA position 3938, A replaced by G.
Protein change: p.Glu1313Gly; replaces glutamic acid 1313 with glycine.
Molecular consequence: missense variant.
Genome position (GRCh38, 1-based): chr9:134,814,828, A>G. VCF-style: chr9-134814828-A-G. GRCh37 (hg19) VCF-style: chr9-137706674-A-G.
Other names: c.3938A>G, p.Glu1313Gly (NM_001278074.1); short protein forms E1313G.
Identifiers: ClinVar variation 1320753 (VCV001320753.3), dbSNP rs2132853684, ClinGen allele CA375456040.